The following is an entry in ClinVar:

ClinVar aggregate classification (germline): Uncertain significance. Review status: criteria provided, multiple submitters, no conflicts (2 of 4 stars). 2 submissions from 2 submitters: Uncertain significance (2). Last evaluated 2025-07-07.

Conditions:
Congenital muscular hypertrophy-cerebral syndrome (CDLS2). Also called: Cornelia de Lange syndrome 2; SMC1A-Related Cornelia de Lange Syndrome. Identifiers: Orphanet 199, MedGen C1802395, MONDO:0010370, OMIM 300590.

Submissions (2):

GeneDx
Classification: Uncertain significance. Last evaluated: 2025-07-07. Review status: criteria provided, single submitter. Criteria: GeneDx Variant Classification Process June 2021. Collection method: clinical testing. Allele origin: germline. Affected: yes.
Comment: Not observed at significant frequency in large population cohorts (gnomAD); Missense variants in this gene are a common cause of disease and they are underrepresented in the general population; In silico analysis suggests that this missense variant does not alter protein structure/function; Has not been previously published as pathogenic or benign to our knowledge

Labcorp Genetics (formerly Invitae), Labcorp
Classification: Uncertain significance for Congenital muscular hypertrophy-cerebral syndrome. Last evaluated: 2019-07-08. Review status: criteria provided, single submitter. Criteria: Invitae Variant Classification Sherloc (09022015). Collection method: clinical testing. Allele origin: germline.
Comment: In summary, the available evidence is currently insufficient to determine the role of this variant in disease. Therefore, it has been classified as a Variant of Uncertain Significance. Algorithms developed to predict the effect of missense changes on protein structure and function are either unavailable or do not agree on the potential impact of this missense change (SIFT: "Tolerated"; PolyPhen-2: "Probably Damaging"; Align-GVGD: "Class C0"). This variant has not been reported in the literature in individuals with SMC1A-related conditions. This variant is not present in population databases (ExAC no frequency). This sequence change replaces glutamine with arginine at codon 1018 of the SMC1A protein (p.Gln1018Arg). The glutamine residue is moderately conserved and there is a small physicochemical difference between glutamine and arginine.

NM_006306.4(SMC1A):c.3053A>G (p.Gln1018Arg)

Gene: SMC1A (structural maintenance of chromosomes 1A; minus strand). Cytogenetic location: Xp11.22.
Variant type: single nucleotide variant.
Coding change: c.3053A>G on transcript NM_006306.4 (MANE Select); coding-DNA position 3053, A replaced by G.
Protein change: p.Gln1018Arg; replaces glutamine 1018 with arginine.
Molecular consequence: missense variant.
Genome position (GRCh38, 1-based): chrX:53,383,174, T>C on the plus strand (A>G on the coding strand, the complement: SMC1A is on the minus strand). VCF-style: chrX-53383174-T-C. GRCh37 (hg19) VCF-style: chrX-53410095-T-C.
Other names: c.3053A>G (NM_006306.2); c.2987A>G, p.Gln996Arg (NM_001281463.1); short protein forms Q1018R, Q996R.
Identifiers: ClinVar variation 854846 (VCV000854846.10), dbSNP rs2075591743, ClinGen allele CA413245617.